The following is an entry in ClinVar:

ClinVar aggregate classification (germline): Uncertain significance. Review status: criteria provided, multiple submitters, no conflicts (2 of 4 stars). 2 submissions from 2 submitters: Uncertain significance (2). Last evaluated 2021-08-29.

Conditions:
Progressive myoclonic epilepsy type 3. Also called: EPILEPSY, PROGRESSIVE MYOCLONIC, 3, WITH OR WITHOUT INTRACELLULAR INCLUSIONS; CEROID LIPOFUSCINOSIS, NEURONAL, 14; EPILEPSY, PROGRESSIVE MYOCLONIC, 3, WITHOUT INTRACELLULAR INCLUSIONS; KCTD7-Related Progressive Myoclonic Epilepsy. Identifiers: Orphanet 263516, MedGen C2673257, MONDO:0012721, OMIM 611726.

Allele frequency attached by ClinVar (database versions not stated): gnomAD exomes below 0.00001; TOPMed below 0.00001.
gnomAD v4.1: 1 of 1,285,546 alleles (0.000078%); highest among the groups gnomAD compares: Non-Finnish European, 0.000099%; no homozygotes.

Submissions (2):

Labcorp Genetics (formerly Invitae), Labcorp
Classification: Uncertain significance for Progressive myoclonic epilepsy type 3. Last evaluated: 2021-08-29. Review status: criteria provided, single submitter. Criteria: Invitae Variant Classification Sherloc (09022015). Collection method: clinical testing. Allele origin: germline.
Comment: The frequency data for this variant in the population databases is considered unreliable, as metrics indicate insufficient coverage at this position in the ExAC database. This sequence change falls in intron 1 of the KCTD7 gene. It does not directly change the encoded amino acid sequence of the KCTD7 protein. It affects a nucleotide within the consensus splice site of the intron. In summary, the available evidence is currently insufficient to determine the role of this variant in disease. Therefore, it has been classified as a Variant of Uncertain Significance. Variants that disrupt the consensus splice site are a relatively common cause of aberrant splicing (PMID: 17576681, 9536098). Algorithms developed to predict the effect of sequence changes on RNA splicing suggest that this variant may disrupt the consensus splice site. This variant has not been reported in the literature in individuals affected with KCTD7-related conditions.

GeneDx
Classification: Uncertain significance. Last evaluated: 2020-01-17. Review status: criteria provided, single submitter. Criteria: GeneDx Variant Classification Process June 2021. Collection method: clinical testing. Allele origin: germline. Affected: yes.
Comment: Not observed in large population cohorts (Lek et al., 2016); In silico analysis, which includes splice predictors and evolutionary conservation, supports a deleterious effect; Has not been previously published as pathogenic or benign to our knowledge

Literature cited by the submitters: PubMed 17576681 (cited by Labcorp Genetics (formerly Invitae), Labcorp); PubMed 9536098 (cited by Labcorp Genetics (formerly Invitae), Labcorp).

NM_153033.5(KCTD7):c.144+3A>G

Genes: KCTD7 (potassium channel tetramerization domain containing 7; plus strand), LOC129998533 (ATAC-STARR-seq lymphoblastoid silent region 18210; plus strand). Cytogenetic location: 7q11.21.
Variant type: single nucleotide variant.
Coding change: c.144+3A>G on transcript NM_153033.5 (MANE Select); 3 bases into the intron after coding-DNA position 144, A replaced by G.
Molecular consequence: intron variant.
Genome position (GRCh38, 1-based): chr7:66,629,211, A>G. VCF-style: chr7-66629211-A-G. GRCh37 (hg19) VCF-style: chr7-66094198-A-G.
Other names: c.144+3A>G (NM_001167961.2).
Identifiers: ClinVar variation 1197265 (VCV001197265.8), dbSNP rs1584392905, ClinGen allele CA1714171422.